The following is an entry in ClinVar:

ClinVar aggregate classification (germline): Uncertain significance. Review status: criteria provided, multiple submitters, no conflicts (2 of 4 stars). 2 submissions from 2 submitters: Uncertain significance (2). Last evaluated 2022-08-04.

Conditions:
Inborn genetic diseases. Identifiers: MedGen C0950123, MeSH D030342.
Gamma-aminobutyric acid transaminase deficiency (GABATD). Also called: GABA aminotransaminase deficiency; GABA transaminase deficiency; Gamma aminobutyrate transaminase deficiency; 4 alpha aminobutyrate transaminase deficiency. Identifiers: Orphanet 2066, MedGen C0342708, MONDO:0013166, OMIM 613163.

Allele frequency attached by ClinVar (database versions not stated): ExAC 0.00001; gnomAD 0.00001; gnomAD exomes 0.00001; TOPMed 0.00002.
gnomAD v4.1: 6 of 1,613,934 alleles (0.00037%); highest among the groups gnomAD compares: Non-Finnish European, 0.00051%; no homozygotes.

Submissions (2):

Labcorp Genetics (formerly Invitae), Labcorp
Classification: Uncertain significance for Gamma-aminobutyric acid transaminase deficiency. Last evaluated: 2022-08-04. Review status: criteria provided, single submitter. Criteria: Invitae Variant Classification Sherloc (09022015). Collection method: clinical testing. Allele origin: germline.
Comment: This sequence change replaces serine, which is neutral and polar, with alanine, which is neutral and non-polar, at codon 165 of the ABAT protein (p.Ser165Ala). This variant is present in population databases (rs755177048, gnomAD 0.003%). This variant has not been reported in the literature in individuals affected with ABAT-related conditions. Algorithms developed to predict the effect of missense changes on protein structure and function (SIFT, PolyPhen-2, Align-GVGD) all suggest that this variant is likely to be tolerated. In summary, the available evidence is currently insufficient to determine the role of this variant in disease. Therefore, it has been classified as a Variant of Uncertain Significance.

Ambry Genetics
Classification: Uncertain significance for Inborn genetic diseases. Last evaluated: 2021-10-22. Review status: criteria provided, single submitter. Criteria: Ambry Variant Classification Scheme 2023. Collection method: clinical testing. Allele origin: germline.

NM_020686.6(ABAT):c.493T>G (p.Ser165Ala)

Gene: ABAT (4-aminobutyrate aminotransferase; plus strand). Cytogenetic location: 16p13.2.
Variant type: single nucleotide variant.
Coding change: c.493T>G on transcript NM_020686.6 (MANE Select); coding-DNA position 493, T replaced by G.
Protein change: p.Ser165Ala; replaces serine 165 with alanine.
Molecular consequence: missense variant. On other transcripts: intron variant (1).
Genome position (GRCh38, 1-based): chr16:8,764,783, T>G. VCF-style: chr16-8764783-T-G. GRCh37 (hg19) VCF-style: chr16-8858640-T-G.
Other names: c.493T>G, p.Ser165Ala (NM_000663.5, NM_001127448.2, NM_001386600.1 and 9 more transcripts); c.358T>G, p.Ser120Ala (NM_001386610.1, NM_001386611.1, NM_001386612.1 and 1 more transcripts); c.247T>G, p.Ser83Ala (NM_001386614.1); c.589T>G, p.Ser197Ala (NM_001386615.1); c.447+634T>G (NM_001386608.1); c.493T>G (NM_020686.5); short protein forms S197A, S120A, S165A, S83A.
Identifiers: ClinVar variation 2146970 (VCV002146970.2), dbSNP rs755177048, ClinGen allele CA7893152.